The following is an entry in ClinVar:

ClinVar aggregate classification (germline): Pathogenic/Likely pathogenic. Review status: criteria provided, multiple submitters, no conflicts (2 of 4 stars). 5 submissions from 5 submitters: Pathogenic (2); Likely pathogenic (3). Last evaluated 2025-11-10.

Conditions:
Retinitis pigmentosa 39 (RP39). Identifiers: Orphanet 791, MedGen C3151138, MONDO:0013436, OMIM 613809.
Usher syndrome type 2A. Also called: RETINAL DISEASE IN USHER SYNDROME TYPE IIA, MODIFIER OF; USHER SYNDROME, TYPE IIA. Identifiers: Orphanet 231178, Orphanet 886, MedGen C1848634, MONDO:0010169, OMIM 276901.
USH2A-related disorder. Also called: USH2A-related condition; USH2A-related disorders. Identifiers: MedGen CN239332.

Submissions (5):

Labcorp Genetics (formerly Invitae), Labcorp
Classification: Pathogenic. Last evaluated: 2025-11-10. Review status: criteria provided, single submitter. Criteria: Invitae Variant Classification Sherloc (09022015). Collection method: clinical testing. Allele origin: germline.
Comment: This sequence change creates a premature translational stop signal (p.Ile3103Leufs*57) in the USH2A gene. It is expected to result in an absent or disrupted protein product. Loss-of-function variants in USH2A are known to be pathogenic (PMID: 10729113, 10909849, 20507924, 25649381). This variant is not present in population databases (gnomAD no frequency). This variant has not been reported in the literature in individuals affected with USH2A-related conditions. ClinVar contains an entry for this variant (Variation ID: 866968). For these reasons, this variant has been classified as Pathogenic.

Fulgent Genetics
Classification: Likely pathogenic for Usher syndrome type 2A; Retinitis pigmentosa 39. Last evaluated: 2024-06-06. Review status: criteria provided, single submitter. Criteria: ACMG Guidelines, 2015. Collection method: clinical testing. Allele origin: germline.

Blueprint Genetics
Classification: Pathogenic for USH2A-related disorders. Last evaluated: 2024-02-20. Review status: criteria provided, single submitter. Criteria: ACMG Guidelines, 2015. Collection method: clinical testing. Allele origin: germline. Affected: yes. Observed: 4 variant alleles.

Baylor Genetics
Classification: Likely pathogenic for Retinitis pigmentosa 39. Last evaluated: 2024-01-04. Review status: criteria provided, single submitter. Criteria: ACMG Guidelines, 2015. Collection method: clinical testing. Allele origin: unknown.

Genome-Nilou Lab
Classification: Likely pathogenic for Retinitis pigmentosa 39. Last evaluated: 2023-11-04. Review status: criteria provided, single submitter. Criteria: ACMG Guidelines, 2015. Collection method: clinical testing. Allele origin: germline. Affected: no.

Literature cited by the submitters: PubMed 10729113 (cited by Labcorp Genetics (formerly Invitae), Labcorp); PubMed 10909849 (cited by Labcorp Genetics (formerly Invitae), Labcorp); PubMed 20507924 (cited by Labcorp Genetics (formerly Invitae), Labcorp); PubMed 25649381 (cited by Labcorp Genetics (formerly Invitae), Labcorp).

NM_206933.4(USH2A):c.9307del (p.Ile3103fs)

Gene: USH2A (usherin; minus strand). Cytogenetic location: 1q41.
Variant type: Deletion.
Coding change: c.9307del on transcript NM_206933.4 (MANE Select); coding-DNA position 9307, one base deleted (A; older notation c.9307delA).
Protein change: p.Ile3103fs; shifts the reading frame from isoleucine 3103.
Molecular consequence: frameshift variant.
Genome position (GRCh38, 1-based): chr1:215,838,055, T deleted on the plus strand (A on the coding strand, the reverse complement: USH2A is on the minus strand); the first of 3 consecutive T bases (chr1:215,838,055-215,838,057); deleting any one gives the same sequence. VCF-style (leftmost placement, unchanged base first): chr1-215838054-AT-A. GRCh37 (hg19) VCF-style: chr1-216011396-AT-A.
Other names: short protein forms I3103fs.
Identifiers: ClinVar variation 866968 (VCV000866968.13), dbSNP rs1558121260, ClinGen allele CA916082122.